The following is an entry in ClinVar:

GRCh38/hg38 8q23.3-24.3(chr8:113580402-145054634)x3

Genes: LRATD2 (LRAT domain containing 2; minus strand), LRRC14 (leucine rich repeat containing 14; plus strand), LRRC24 (leucine rich repeat containing 24; minus strand), LY6D (lymphocyte antigen 6 family member D; minus strand), LY6E (lymphocyte antigen 6 family member E; plus strand) and 965 more. Cytogenetic location: 8q23.3-24.3.
Variant type: copy number gain.
Change: copy number 3 (three copies instead of two) of chr8:113,580,402-145,054,634 (31.47 Mb, GRCh38 coordinates, 1-based), cytogenetic band 8q23.3-24.3.
Identifiers: ClinVar variation 57045 (VCV000057045.1).

ClinVar aggregate classification (germline): Pathogenic (1 of 4 stars; one submission).

Submission:

ISCA site 4
Classification: Pathogenic. Last evaluated: 2011-08-12. Review status: criteria provided, single submitter. Criteria: Kaminsky et al. (Genet Med. 2011). Collection method: clinical testing. Allele origin: de novo. Affected: yes. Observed: 1 variant allele.
Comment: Copy number variation identified through the course of routine clinical cytogenomic testing in postnatal populations. Clinical assertions have been curated as described in Kaminsky et al. 2011.